The following is an entry in ClinVar:

ClinVar aggregate classification (germline): Uncertain significance (1 of 4 stars; one submission).

Conditions:
Cystic fibrosis (CF). Also called: MUCOVISCIDOSIS. Identifiers: Orphanet 586, MedGen C0010674, MONDO:0009061, OMIM 219700. Disease mechanism: loss of function.

gnomAD v4.1: 2 of 1,570,606 alleles (0.00013%); highest among the groups gnomAD compares: African/African-American, 0.0027%; no homozygotes.

Submission:

Ambry Genetics
Classification: Uncertain significance for Cystic fibrosis. Last evaluated: 2025-08-01. Review status: criteria provided, single submitter. Criteria: Ambry Variant Classification Scheme 2023. Collection method: clinical testing. Allele origin: germline.
Comment: The p.F992V variant (also known as c.2974T>G), located in coding exon 18 of the CFTR gene, results from a T to G substitution at nucleotide position 2974. The phenylalanine at codon 992 is replaced by valine, an amino acid with highly similar properties. This amino acid position is highly conserved in available vertebrate species. In addition, this alteration is predicted to be deleterious by in silico analysis. Based on the available evidence, the clinical significance of this variant remains unclear.

NM_000492.4(CFTR):c.2974T>G (p.Phe992Val)

Genes: CFTR (CF transmembrane conductance regulator; plus strand), CFTR-AS2 (CFTR antisense RNA 2; minus strand). Cytogenetic location: 7q31.2.
Variant type: single nucleotide variant.
Coding change: c.2974T>G on transcript NM_000492.4 (MANE Select); coding-DNA position 2974, T replaced by G.
Protein change: p.Phe992Val; replaces phenylalanine 992 with valine.
Molecular consequence: missense variant.
Genome position (GRCh38, 1-based): chr7:117,606,739, T>G. VCF-style: chr7-117606739-T-G. GRCh37 (hg19) VCF-style: chr7-117246793-T-G.
Other names: short protein forms F992V.
Identifiers: ClinVar variation 4227383 (VCV004227383.1).